The following is an entry in ClinVar:

ClinVar aggregate classification (germline): Likely pathogenic (1 of 4 stars; one submission).

Conditions:
Anterior segment dysgenesis 8 (ASGD8). Identifiers: Orphanet 519388, MedGen C4310622, MONDO:0015017, OMIM 617319.

Submission:

First Genomix Gene Laboratory, Genetic Diagnostics Department
Classification: Likely pathogenic for Anterior segment dysgenesis 8. Last evaluated: 2025-08-05. Review status: criteria provided, single submitter. Criteria: ACMG Guidelines, 2015. Collection method: clinical testing. Allele origin: germline. Inheritance: Autosomal recessive inheritance. Affected: no. Observed: 1 variant allele.

NM_015692.5(CPAMD8):c.867+2T>G

Gene: CPAMD8 (C3 and PZP like alpha-2-macroglobulin domain containing 8; minus strand). Cytogenetic location: 19p13.11.
Variant type: single nucleotide variant.
Coding change: c.867+2T>G on transcript NM_015692.5 (MANE Select); the canonical splice donor site of the intron after coding-DNA position 867, T replaced by G.
Molecular consequence: splice donor variant.
Genome position (GRCh38, 1-based): chr19:17,000,412, A>C on the plus strand (T>G on the coding strand, the complement: CPAMD8 is on the minus strand). VCF-style: chr19-17000412-A-C. GRCh37 (hg19) VCF-style: chr19-17111222-A-C.
Identifiers: ClinVar variation 4850585 (VCV004850585.1).